The following continues an entry in ClinVar:

NM_000059.4(BRCA2):c.6037A>T (p.Lys2013Ter)

Gene: BRCA2. ClinVar aggregate classification (germline): Pathogenic. Pathogenic (1).

Submissions 10 to 23 of 23:

GeneDx
Classification: Pathogenic. Last evaluated: 2023-07-06. Review status: criteria provided, single submitter. Criteria: GeneDx Variant Classification Process June 2021. Collection method: clinical testing. Allele origin: germline. Affected: yes. Not counted in ClinVar's aggregate classification.
Comment: Nonsense variant predicted to result in protein truncation or nonsense mediated decay in a gene for which loss-of-function is a known mechanism of disease; Not observed at significant frequency in large population cohorts (gnomAD); Truncating variants in this gene are considered pathogenic by a well-established clinical consortium and/or database; Also known as 6265A>T; This variant is associated with the following publications: (PMID: 22006311, 24784157, 21913181, 32438681, 29922827, 24504028, 25896959, 11802209, 25111659, 25525159, 24728189, 27225637, 19941162, 16168123, 28127413, 23961350, 28259476, 11897832, 17513806, 27463008, 25085752, 29360161, 29084914, 30128899, 26556299, 30487452, 29061375, 29446198, 29625052, 26689913, 31447099, 31514334, 30787465, 35264596, 31892343)

CeGaT Center for Human Genetics Tuebingen
Classification: Pathogenic. Last evaluated: 2021-10-01. Review status: criteria provided, single submitter. Criteria: CeGaT Center For Human Genetics Tuebingen Variant Classification Criteria Version 2. Collection method: clinical testing. Allele origin: germline. Affected: yes. Observed: 1 variant allele. Not counted in ClinVar's aggregate classification.

GeneKor MSA
Classification: Pathogenic for Hereditary breast and ovarian cancer syndrome. Last evaluated: 2020-01-01. Review status: criteria provided, single submitter. Criteria: ACMG Guidelines, 2015. Collection method: clinical testing. Allele origin: germline. Affected: yes. Not counted in ClinVar's aggregate classification.
Comment: This variant is a single amino acid change from Lysine to a Termination codon at amino acid residue 2013 of the BRCA2 gene. It is expected to result in a truncated, non-functional protein. Truncating variants in the BRCA2 gene are known to be pathogenic. This variant is also known as 6265A>T in the literature and has been reported in patients with breast, ovarian, fallopian tube and prostate cancer (PMID: 11802209, 11897832, 22006311, 25111659). The mutation database ClinVar contains entries for this variant (Variation ID: 38016).

Revvity Omics, Revvity
Classification: Pathogenic. Last evaluated: 2019-05-02. Review status: criteria provided, single submitter. Criteria: ACMG Guidelines, 2015. Collection method: clinical testing. Allele origin: germline. Not counted in ClinVar's aggregate classification.

Mendelics
Classification: Pathogenic for Hereditary breast and ovarian cancer syndrome. Last evaluated: 2018-07-02. Review status: criteria provided, single submitter. Criteria: Mendelics Assertion Criteria 2017. Collection method: clinical testing. Allele origin: unknown. Not counted in ClinVar's aggregate classification.

Human Genome Sequencing Center Clinical Lab, Baylor College of Medicine
Classification: Pathogenic for Breast-ovarian cancer, familial, susceptibility to, 2. Last evaluated: 2018-02-23. Review status: criteria provided, single submitter. Criteria: ACMG Guidelines, 2015. Collection method: clinical testing. Allele origin: germline. Not counted in ClinVar's aggregate classification.
Comment: This c.6037A>T (p.Lys2013*), variant in exon 11 of the BRCA2 gene creates a stop codon which is predicted to lead to nonsense-mediated mRNA decay, which is a known disease mechanism for this gene. This variant has been reported in multiple hereditary breast and ovarian cancer patients (PMID: 17513806, 21913181, 22006311, 23961350, 24504028, 25111659). Therefore, the c.6037A>T (p.Lys2013*) variant in the BRCA2 gene is classified as pathogenic.

ARUP Laboratories, Molecular Genetics and Genomics, ARUP Laboratories
Classification: Pathogenic. Last evaluated: 2016-11-04. Review status: criteria provided, single submitter. Criteria: ARUP Molecular Germline Variant Investigation Process. Collection method: clinical testing. Allele origin: germline. Not counted in ClinVar's aggregate classification.

Consortium of Investigators of Modifiers of BRCA1/2 (CIMBA), c/o University of Cambridge
Classification: Pathogenic for Breast-ovarian cancer, familial, susceptibility to, 2. Last evaluated: 2015-10-02. Review status: criteria provided, single submitter. Criteria: CIMBA Mutation Classification guidelines May 2016. Collection method: clinical testing. Allele origin: germline. Not counted in ClinVar's aggregate classification.

Laboratory for Molecular Medicine, Mass General Brigham Personalized Medicine
Classification: Pathogenic for Hereditary breast ovarian cancer syndrome. Last evaluated: 2015-07-30. Review status: criteria provided, single submitter. Criteria: LMM Criteria. Collection method: clinical testing. Allele origin: germline. Observed: 5 variant alleles. Not counted in ClinVar's aggregate classification.
Comment: The p.Lys2013X variant has been reported in >20 individuals with BRCA2-associate d cancers (Meindl 2002, Hamann 2002, Wappenschmidt 2005, Machado 2007, Walsh 201 1, Litton 2012, Solano 2012, Cunningham 2014, Maier 2014, Breast Cancer Informat ion Core (BIC) database). It was absent from large control studies. This nonsens e variant leads to a premature termination codon at position 2013, which is pred icted to lead to a truncated or absent protein. Heterozygous loss of BRCA2 funct ion is an established disease mechanism in hereditary breast and ovarian cancer (HBOC). In summary, this variant meets criteria to be classified as pathogenic f or HBOC in an autosomal dominant manner based upon the predicted impact to the p rotein and presence in affected individuals.

Genesis Genomics
Classification: Pathogenic for Breast-ovarian cancer, familial, susceptibility to, 2. Review status: criteria provided, single submitter. Criteria: ACMG Guidelines, 2015. Collection method: clinical testing. Allele origin: germline. Affected: no. Observed: 1 variant allele. Not counted in ClinVar's aggregate classification.

Counsyl
Classification: Likely pathogenic for Breast-ovarian cancer, familial 2. Last evaluated: 2014-06-17. Review status: no assertion criteria provided. Collection method: literature only. Allele origin: unknown. Inheritance: Autosomal dominant inheritance. Not counted in ClinVar's aggregate classification.

Research Molecular Genetics Laboratory, Women's College Hospital, University of Toronto
Classification: Pathogenic for Hereditary breast ovarian cancer syndrome. Last evaluated: 2014-01-31. Review status: no assertion criteria provided. Collection method: research. Allele origin: germline. Affected: yes. Study: The Canadian Open Genetics Repository (COGR). Not counted in ClinVar's aggregate classification.

Sharing Clinical Reports Project (SCRP)
Classification: Pathogenic for Breast-ovarian cancer, familial 2. Last evaluated: 2012-05-01. Review status: no assertion criteria provided. Collection method: clinical testing. Allele origin: germline. Not counted in ClinVar's aggregate classification.

Breast Cancer Information Core (BIC) (BRCA2)
Classification: Pathogenic for Breast-ovarian cancer, familial 2. Last evaluated: 2002-05-29. Review status: no assertion criteria provided. Collection method: clinical testing. Allele origin: germline. Affected: yes. Observed: 16 variant alleles. Not counted in ClinVar's aggregate classification.

Literature cited by the submitters: PubMed 11802209 (cited by 8 submitters); PubMed 22006311 (cited by 7 submitters); PubMed 24504028 (cited by 5 submitters); PubMed 25111659 (cited by 6 submitters); PubMed 29084914 (cited by 3 submitters); PubMed 29360161 (cited by 3 submitters); PubMed 20104584 (cited by Labcorp Genetics (formerly Invitae), Labcorp); PubMed 11897832 (cited by 6 submitters); PubMed 17513806 (cited by 5 submitters); PubMed 24728189 (cited by 5 submitters); PubMed 23961350 (cited by 5 submitters); PubMed 36292577 (cited by Quest Diagnostics Nichols Institute San Juan Capistrano); PubMed 31514334 (cited by Quest Diagnostics Nichols Institute San Juan Capistrano); PubMed 31209999 (cited by Quest Diagnostics Nichols Institute San Juan Capistrano); PubMed 29922827 (cited by Quest Diagnostics Nichols Institute San Juan Capistrano); PubMed 36717774 (cited by Quest Diagnostics Nichols Institute San Juan Capistrano); PubMed 32438681 (cited by 3 submitters); PubMed 32380732 (cited by 3 submitters); PubMed 21913181 (cited by 6 submitters); PubMed 34994648 (cited by Quest Diagnostics Nichols Institute San Juan Capistrano); PubMed 28259476 (cited by Quest Diagnostics Nichols Institute San Juan Capistrano); PubMed 26295337 (cited by Quest Diagnostics Nichols Institute San Juan Capistrano); PubMed 16168123 (cited by 4 submitters); PubMed 23942203 (cited by Women's Health and Genetics/Laboratory Corporation of America, LabCorp).